The following is an entry in ClinVar:

NM_000540.3(RYR1):c.14319T>G (p.Asp4773Glu)

Gene: RYR1 (ryanodine receptor 1; plus strand). Cytogenetic location: 19q13.2.
Variant type: single nucleotide variant.
Coding change: c.14319T>G on transcript NM_000540.3 (MANE Select); coding-DNA position 14319, T replaced by G.
Protein change: p.Asp4773Glu; replaces aspartic acid 4773 with glutamic acid.
Molecular consequence: missense variant.
Genome position (GRCh38, 1-based): chr19:38,578,159, T>G. VCF-style: chr19-38578159-T-G. GRCh37 (hg19) VCF-style: chr19-39068799-T-G.
Other names: c.14304T>G, p.Asp4768Glu (NM_001042723.2); short protein forms D4768E, D4773E.
Identifiers: ClinVar variation 3073910 (VCV003073910.1), dbSNP rs2514740183, ClinGen allele CA405685098.
Genomic context (GRCh38, chr19:38,578,159, plus strand): 5'-TGGAGTCTGACACTCAAGCATCTCTCCCCACCCCCGCCCCCACAGGCTCATGTCCATCGA[T>G]GTCAAGTACCAGATCTGGAAGTTCGGGGTCATCTTCACAGACAACGTGAGCAGGGGCCCA-3'
Protein context (NP_000531.2, residues 4763-4783): PGLLTWLMSI[Asp4773Glu]VKYQIWKFGV

ClinVar aggregate classification (germline): Uncertain significance (1 of 4 stars; one submission).

Conditions:
Malignant hyperthermia, susceptibility to, 1 (MHS1). Also called: Anesthesia related hyperthermia; Malignant hyperpyrexia; Fulminating hyperpyrexia; Pharmacogenic myopathy; RYR1-Related Malignant Hyperthermia Susceptibility; Malignant hyperthermia suceptibility 1. Identifiers: Orphanet 423, MedGen C2930980, MONDO:0007783, OMIM 145600.

Submission:

All of Us Research Program, National Institutes of Health
Classification: Uncertain significance for Malignant hyperthermia, susceptibility to, 1. Last evaluated: 2023-11-30. Review status: criteria provided, single submitter. Criteria: ACMG Guidelines, 2015. Collection method: clinical testing. Allele origin: germline. Inheritance: Autosomal dominant inheritance. Observed: 1 variant allele, 1 heterozygote.
Comment: This study involves interpretation of variants in research participants for the purpose of population health screening. Participant phenotype was not available at the time of variant classification. Additional details can be found in publication PMID: 35346344, PMCID: PMC8962531